The following is an entry in ClinVar:

ClinVar aggregate classification (germline): Uncertain significance (1 of 4 stars; one submission).

Conditions:
Gastrointestinal stromal tumor. Also called: Gastrointestinal stromal tumor, somatic; Gastrointestinal stroma tumor. Identifiers: Orphanet 44890, MedGen C0238198, MeSH D046152, MONDO:0011719, OMIM 606764, HP:0100723.

Submission:

Labcorp Genetics (formerly Invitae), Labcorp
Classification: Uncertain significance for Gastrointestinal stromal tumor. Last evaluated: 2024-05-16. Review status: criteria provided, single submitter. Criteria: Invitae Variant Classification Sherloc (09022015). Collection method: clinical testing. Allele origin: germline.
Comment: This sequence change replaces glycine, which is neutral and non-polar, with arginine, which is basic and polar, at codon 23 of the KIT protein (p.Gly23Arg). This variant also falls at the last nucleotide of exon 1, which is part of the consensus splice site for this exon. This variant is not present in population databases (gnomAD no frequency). This variant has not been reported in the literature in individuals affected with KIT-related conditions. An algorithm developed to predict the effect of missense changes on protein structure and function (PolyPhen-2) suggests that this variant is likely to be disruptive. Variants that disrupt the consensus splice site are a relatively common cause of aberrant splicing (PMID: 17576681, 9536098). Algorithms developed to predict the effect of sequence changes on RNA splicing suggest that this variant may disrupt the consensus splice site. In summary, the available evidence is currently insufficient to determine the role of this variant in disease. Therefore, it has been classified as a Variant of Uncertain Significance.

Literature cited by the submitters: PubMed 17576681; PubMed 9536098.

NM_000222.3(KIT):c.67G>C (p.Gly23Arg)

Gene: KIT (KIT proto-oncogene, receptor tyrosine kinase; plus strand). Cytogenetic location: 4q12.
Variant type: single nucleotide variant.
Coding change: c.67G>C on transcript NM_000222.3 (MANE Select); coding-DNA position 67, G replaced by C.
Protein change: p.Gly23Arg; replaces glycine 23 with arginine.
Molecular consequence: missense variant.
Genome position (GRCh38, 1-based): chr4:54,658,081, G>C. VCF-style: chr4-54658081-G-C. GRCh37 (hg19) VCF-style: chr4-55524248-G-C.
Other names: c.67G>C, p.Gly23Arg (NM_001093772.2, NM_001385284.1, NM_001385285.1 and 4 more transcripts); short protein forms G23R.
Identifiers: ClinVar variation 3688759 (VCV003688759.2).